The following is an entry in ClinVar:

NM_001184.4(ATR):c.4324T>A (p.Leu1442Met)

Gene: ATR (ATR checkpoint kinase; minus strand). Cytogenetic location: 3q23.
Variant type: single nucleotide variant.
Coding change: c.4324T>A on transcript NM_001184.4 (MANE Select); coding-DNA position 4324, T replaced by A.
Protein change: p.Leu1442Met; replaces leucine 1442 with methionine.
Molecular consequence: missense variant.
Genome position (GRCh38, 1-based): chr3:142,519,727, A>T on the plus strand (T>A on the coding strand, the complement: ATR is on the minus strand). VCF-style: chr3-142519727-A-T. GRCh37 (hg19) VCF-style: chr3-142238569-A-T.
Other names: c.4132T>A, p.Leu1378Met (NM_001354579.2); short protein forms L1378M, L1442M.
Identifiers: ClinVar variation 1739724 (VCV001739724.2), dbSNP rs2473245022, ClinGen allele CA354800272.

ClinVar aggregate classification (germline): Uncertain significance (1 of 4 stars; one submission).

Conditions:
Inborn genetic diseases. Identifiers: MedGen C0950123, MeSH D030342.

Submission:

Ambry Genetics
Classification: Uncertain significance for Inborn genetic diseases. Last evaluated: 2021-12-10. Review status: criteria provided, single submitter. Criteria: Ambry Variant Classification Scheme 2023. Collection method: clinical testing. Allele origin: germline.
Comment: The p.L1442M variant (also known as c.4324T>A), located in coding exon 24 of the ATR gene, results from a T to A substitution at nucleotide position 4324. The leucine at codon 1442 is replaced by methionine, an amino acid with highly similar properties. This amino acid position is conserved. In addition, this alteration is predicted to be tolerated by in silico analysis. Since supporting evidence is limited at this time, the clinical significance of this alteration remains unclear.